The following is an entry in ClinVar:

ClinVar aggregate classification (germline): Uncertain significance (1 of 4 stars; one submission).

Conditions:
Familial focal epilepsy with variable foci (FPEVF). Identifiers: Orphanet 98820, MedGen C1858477, MONDO:0020310.

Submission:

Labcorp Genetics (formerly Invitae), Labcorp
Classification: Uncertain significance for Familial focal epilepsy with variable foci. Last evaluated: 2019-07-01. Review status: criteria provided, single submitter. Criteria: Invitae Variant Classification Sherloc (09022015). Collection method: clinical testing. Allele origin: germline.
Comment: This variant is not present in population databases (ExAC no frequency). This sequence change replaces isoleucine with threonine at codon 1476 of the DEPDC5 protein (p.Ile1476Thr). The isoleucine residue is highly conserved and there is a moderate physicochemical difference between isoleucine and threonine. This variant has not been reported in the literature in individuals with DEPDC5-related conditions. Algorithms developed to predict the effect of missense changes on protein structure and function are either unavailable or do not agree on the potential impact of this missense change (SIFT: "Deleterious"; PolyPhen-2: "Not Available"; Align-GVGD: "Class C25"). In summary, the available evidence is currently insufficient to determine the role of this variant in disease. Therefore, it has been classified as a Variant of Uncertain Significance.

NM_001242896.3(DEPDC5):c.4427T>C (p.Ile1476Thr)

Gene: DEPDC5 (DEP domain containing 5, GATOR1 subcomplex subunit; plus strand). Cytogenetic location: 22q12.3.
Variant type: single nucleotide variant.
Coding change: c.4427T>C on transcript NM_001242896.3 (MANE Select); coding-DNA position 4427, T replaced by C.
Protein change: p.Ile1476Thr; replaces isoleucine 1476 with threonine.
Molecular consequence: missense variant. On other transcripts: non-coding transcript variant (5).
Genome position (GRCh38, 1-based): chr22:31,901,793, T>C. VCF-style: chr22-31901793-T-C. GRCh37 (hg19) VCF-style: chr22-32297779-T-C.
Other names: c.4400T>C, p.Ile1467Thr (NM_001136029.4); c.4127T>C, p.Ile1376Thr (NM_001242897.2); c.4361T>C, p.Ile1454Thr (NM_001363852.2, NM_001364320.2); c.4193T>C, p.Ile1398Thr (NM_001363854.2, NM_001364319.2); c.4427T>C, p.Ile1476Thr (NM_001364318.2); c.4343T>C, p.Ile1448Thr (NM_001369901.1, NM_001369902.1); c.4334T>C, p.Ile1445Thr (NM_001369903.1, NM_014662.6); short protein forms I1398T, I1467T, I1476T, I1376T, I1445T, I1448T, I1454T.
Identifiers: ClinVar variation 951981 (VCV000951981.9), dbSNP rs2093653111, ClinGen allele CA411290517.